The following is an entry in ClinVar:

ClinVar aggregate classification (germline): Uncertain significance (1 of 4 stars; one submission).

Allele frequency attached by ClinVar (database versions not stated): ExAC 0.00001; gnomAD exomes 0.00001.

Submission:

Labcorp Genetics (formerly Invitae), Labcorp
Classification: Uncertain significance. Last evaluated: 2022-10-04. Review status: criteria provided, single submitter. Criteria: Invitae Variant Classification Sherloc (09022015). Collection method: clinical testing. Allele origin: germline.
Comment: In summary, the available evidence is currently insufficient to determine the role of this variant in disease. Therefore, it has been classified as a Variant of Uncertain Significance. Advanced modeling of protein sequence and biophysical properties (such as structural, functional, and spatial information, amino acid conservation, physicochemical variation, residue mobility, and thermodynamic stability) performed at Invitae indicates that this missense variant is not expected to disrupt RPSA protein function. This variant has not been reported in the literature in individuals affected with RPSA-related conditions. This variant is present in population databases (rs771342697, gnomAD 0.01%). This sequence change replaces methionine, which is neutral and non-polar, with isoleucine, which is neutral and non-polar, at codon 177 of the RPSA protein (p.Met177Ile).

NM_002295.6(RPSA):c.531G>C (p.Met177Ile)

Gene: RPSA (ribosomal protein SA; plus strand). Cytogenetic location: 3p22.1.
Variant type: single nucleotide variant.
Coding change: c.531G>C on transcript NM_002295.6 (MANE Select); coding-DNA position 531, G replaced by C.
Protein change: p.Met177Ile; replaces methionine 177 with isoleucine.
Molecular consequence: missense variant.
Genome position (GRCh38, 1-based): chr3:39,411,681, G>C. VCF-style: chr3-39411681-G-C. GRCh37 (hg19) VCF-style: chr3-39453172-G-C.
Other names: c.531G>C, p.Met177Ile (NM_001012321.1); c.546G>C, p.Met182Ile (NM_001304288.2); short protein forms M177I, M182I.
Identifiers: ClinVar variation 1720926 (VCV001720926.5), dbSNP rs771342697, ClinGen allele CA2327859.